The following is an entry in ClinVar:

ClinVar aggregate classification (germline): Uncertain significance. Review status: criteria provided, multiple submitters, no conflicts (2 of 4 stars). 3 submissions from 3 submitters: Uncertain significance (3). Last evaluated 2025-12-04.

Conditions:
Inborn genetic diseases. Identifiers: MedGen C0950123, MeSH D030342.
Fanconi anemia complementation group G. Also called: FANCG-Related Fanconi Anemia; Fanconi anemia group G. Identifiers: Orphanet 84, MedGen C3469527, MONDO:0013565, OMIM 614082.
Fanconi anemia (FA). Also called: Fanconi's anemia. Identifiers: Orphanet 84, MedGen C0015625, MeSH D005199, MONDO:0019391.

Allele frequency attached by ClinVar (database versions not stated): gnomAD exomes below 0.00001.
gnomAD v4.1: 3 of 1,614,134 alleles (0.00019%); highest among the groups gnomAD compares: Non-Finnish European, 0.00025%; no homozygotes.

Submissions (3):

Ambry Genetics
Classification: Uncertain significance for Inborn genetic diseases. Last evaluated: 2025-12-04. Review status: criteria provided, single submitter. Criteria: Ambry Variant Classification Scheme 2023. Collection method: clinical testing. Allele origin: germline.

Labcorp Genetics (formerly Invitae), Labcorp
Classification: Uncertain significance for Fanconi anemia. Last evaluated: 2024-04-08. Review status: criteria provided, single submitter. Criteria: Invitae Variant Classification Sherloc (09022015). Collection method: clinical testing. Allele origin: germline.
Comment: This sequence change replaces aspartic acid, which is acidic and polar, with asparagine, which is neutral and polar, at codon 199 of the FANCG protein (p.Asp199Asn). This variant is not present in population databases (gnomAD no frequency). This variant has not been reported in the literature in individuals affected with FANCG-related conditions. Advanced modeling of protein sequence and biophysical properties (such as structural, functional, and spatial information, amino acid conservation, physicochemical variation, residue mobility, and thermodynamic stability) performed at Invitae indicates that this missense variant is not expected to disrupt FANCG protein function with a negative predictive value of 80%. In summary, the available evidence is currently insufficient to determine the role of this variant in disease. Therefore, it has been classified as a Variant of Uncertain Significance.

Fulgent Genetics
Classification: Uncertain significance for Fanconi anemia complementation group G. Last evaluated: 2024-02-19. Review status: criteria provided, single submitter. Criteria: ACMG Guidelines, 2015. Collection method: clinical testing. Allele origin: germline.

NM_004629.2(FANCG):c.595G>A (p.Asp199Asn)

Gene: FANCG (FA complementation group G; minus strand). Cytogenetic location: 9p13.3.
Variant type: single nucleotide variant.
Coding change: c.595G>A on transcript NM_004629.2 (MANE Select); coding-DNA position 595, G replaced by A.
Protein change: p.Asp199Asn; replaces aspartic acid 199 with asparagine.
Molecular consequence: missense variant.
Genome position (GRCh38, 1-based): chr9:35,077,315, C>T on the plus strand (G>A on the coding strand, the complement: FANCG is on the minus strand). VCF-style: chr9-35077315-C-T. GRCh37 (hg19) VCF-style: chr9-35077312-C-T.
Other names: short protein forms D199N.
Identifiers: ClinVar variation 2916594 (VCV002916594.6), dbSNP rs2131057154, ClinGen allele CA373314067.